The following is an entry in ClinVar:

ClinVar aggregate classification (germline): Uncertain significance (1 of 4 stars; one submission).

Conditions:
Neuronopathy, distal hereditary motor, type 2C. Also called: HMN IIC; NEUROPATHY, DISTAL HEREDITARY MOTOR, AUTOSOMAL DOMINANT 4; NEURONOPATHY, DISTAL HEREDITARY MOTOR, HARDING TYPE IIC; NEUROPATHY, DISTAL HEREDITARY MOTOR, HARDING TYPE IIC. Identifiers: Orphanet 139525, MedGen C3150619, MONDO:0013243, OMIM 613376.

Allele frequency attached by ClinVar (database versions not stated): ExAC 0.00001.

Submission:

Labcorp Genetics (formerly Invitae), Labcorp
Classification: Uncertain significance for Neuronopathy, distal hereditary motor, type 2C. Last evaluated: 2023-11-28. Review status: criteria provided, single submitter. Criteria: Invitae Variant Classification Sherloc (09022015). Collection method: clinical testing. Allele origin: germline.
Comment: This sequence change affects codon 136 of the HSPB3 mRNA. It is a 'silent' change, meaning that it does not change the encoded amino acid sequence of the HSPB3 protein. This variant is present in population databases (rs746502208, gnomAD 0.003%). This variant has not been reported in the literature in individuals affected with HSPB3-related conditions. In summary, the available evidence is currently insufficient to determine the role of this variant in disease. Therefore, it has been classified as a Variant of Uncertain Significance.

NM_006308.3(HSPB3):c.408T>C (p.Asp136=)

Gene: HSPB3 (heat shock protein family B (small) member 3; plus strand). Cytogenetic location: 5q11.2.
Variant type: single nucleotide variant.
Coding change: c.408T>C on transcript NM_006308.3 (MANE Select); coding-DNA position 408, T replaced by C.
Protein change: p.Asp136=; no amino-acid change (aspartic acid 136 retained).
Molecular consequence: synonymous variant.
Genome position (GRCh38, 1-based): chr5:54,456,197, T>C. VCF-style: chr5-54456197-T-C. GRCh37 (hg19) VCF-style: chr5-53752027-T-C.
Identifiers: ClinVar variation 2738849 (VCV002738849.3), dbSNP rs746502208, ClinGen allele CA3264681.